The following is an entry in ClinVar:

ClinVar aggregate classification (germline): Pathogenic (1 of 4 stars; one submission).

Conditions:
46,XY sex reversal 1. Also called: SRY-related 46,XY complete gonadal dysgenesis; 46,XY SEX REVERSAL, SRY-RELATED. Identifiers: Orphanet 242, MedGen C2748896, MONDO:0020712, OMIM 400044.

Submission:

Labcorp Genetics (formerly Invitae), Labcorp
Classification: Pathogenic for 46,XY sex reversal 1. Last evaluated: 2017-06-03. Review status: criteria provided, single submitter. Criteria: Invitae Variant Classification Sherloc (09022015). Collection method: clinical testing. Allele origin: germline.
Comment: For these reasons, this variant has been classified as Pathogenic. A different truncation downstream of this variant (p.Glu122Asnfs*58) has been determined to be pathogenic (PMID: 2247151). This suggests that deletion of this region of the SRY protein is causative of disease. This variant has been reported in an individual affected with complete 46, XY gonadal dysgenesis (PMID: 16675314). This variant is not present in population databases (ExAC no frequency). This sequence change results in a premature translational stop signal in the SRY gene (p.Glu89Argfs*15). While this is not anticipated to result in nonsense mediated decay, it is expected to disrupt the last 116 amino acids of the SRY protein.

Literature cited by the submitters: PubMed 2247151; PubMed 16675314.

NM_003140.3(SRY):c.264dup (p.Glu89fs)

Gene: SRY (sex determining region Y; minus strand). Cytogenetic location: Yp11.2.
Variant type: Duplication.
Coding change: c.264dup on transcript NM_003140.3 (MANE Select); coding-DNA position 264, one base duplicated (A; older notation c.264dupA).
Protein change: p.Glu89fs; shifts the reading frame from glutamic acid 89.
Molecular consequence: frameshift variant.
Genome position (GRCh38, 1-based): chrY:2,787,340, T duplicated on the plus strand (A on the coding strand, the reverse complement: SRY is on the minus strand). VCF-style (leftmost placement, unchanged base first): chrY-2787339-C-CT. GRCh37 (hg19) VCF-style: chrY-2655380-C-CT.
Other names: c.264dupA (NM_003140.2); short protein forms E89fs.
Identifiers: ClinVar variation 470195 (VCV000470195.8), dbSNP rs1556370556, ClinGen allele CA658659093.
Genomic context (GRCh38, chrY:2,787,339, plus strand): 5'-ATGGCCATTTTTCGGCTTCAGTAAGCATTTTCCACTGGTATCCCAGCTGCTTGCTGATCT[C>CT]TGAGTTTCGCATTCTGGGATTCTCTAGAGCCATCTTGCGCCTCTGATCGCGAGACCACAC-3'